The following is an entry in ClinVar:

ClinVar aggregate classification (germline): Pathogenic (1 of 4 stars; one submission).

Conditions:
Long QT syndrome (LQTS). Identifiers: MedGen C0023976, MeSH D008133, MONDO:0002442. Disease mechanism: loss of function. Inheritance: Various modes of inheritance.

Submission:

Labcorp Genetics (formerly Invitae), Labcorp
Classification: Pathogenic for Long QT syndrome. Last evaluated: 2024-05-22. Review status: criteria provided, single submitter. Criteria: Invitae Variant Classification Sherloc (09022015). Collection method: clinical testing. Allele origin: germline.
Comment: This sequence change creates a premature translational stop signal (p.Leu3108Cysfs*4) in the ANK2 gene. It is expected to result in an absent or disrupted protein product. Loss-of-function variants in ANK2 are known to be pathogenic (PMID: 37195288). This variant is not present in population databases (gnomAD no frequency). This variant has not been reported in the literature in individuals affected with ANK2-related conditions. For these reasons, this variant has been classified as Pathogenic.

Literature cited by the submitters: PubMed 37195288.

NM_001148.6(ANK2):c.9323del (p.Leu3108fs)

Gene: ANK2 (ankyrin 2; plus strand). Cytogenetic location: 4q26.
Variant type: Deletion.
Coding change: c.9323del on transcript NM_001148.6 (MANE Select); coding-DNA position 9323, one base deleted (T; older notation c.9323delT).
Protein change: p.Leu3108fs; shifts the reading frame from leucine 3108.
Molecular consequence: frameshift variant. On other transcripts: intron variant (68).
Genome position (GRCh38, 1-based): chr4:113,357,941, T deleted; the last of 2 consecutive T bases (chr4:113,357,940-113,357,941); deleting either gives the same sequence. VCF-style (leftmost placement, unchanged base first): chr4-113357939-AT-A. GRCh37 (hg19) VCF-style: chr4-114279095-AT-A.
Other names: c.9089del, p.Leu3030fs (NM_001386142.1); c.5723del, p.Leu1908fs (NM_001386166.1); c.9464del, p.Leu3155fs (NM_001386174.1); c.9440del, p.Leu3147fs (NM_001386175.1); c.4412-2882del (NM_001386186.2, NM_001386148.2); c.4214-2882del (NM_001354269.3); c.4292-2882del (NM_001386187.2); c.4253-2882del (NM_001386147.1); and 35 more; short protein forms L1908fs, L3030fs, L3147fs, L3108fs, L3155fs.
Identifiers: ClinVar variation 3654249 (VCV003654249.2).